The following is an entry in ClinVar:

ClinVar aggregate classification (germline): Uncertain significance (1 of 4 stars; one submission).

Conditions:
Cardiovascular phenotype. Identifiers: MedGen CN230736.

gnomAD v4.1: 19 of 1,550,280 alleles (0.0012%); highest among the groups gnomAD compares: South Asian, 0.021%; no homozygotes.

Submission:

Ambry Genetics
Classification: Uncertain significance for Cardiovascular phenotype. Last evaluated: 2025-02-04. Review status: criteria provided, single submitter. Criteria: Ambry Variant Classification Scheme 2023. Collection method: clinical testing. Allele origin: germline.
Comment: The p.H1286Y variant (also known as c.3856C>T), located in coding exon 2 of the ZNF469 gene, results from a C to T substitution at nucleotide position 3856. The histidine at codon 1286 is replaced by tyrosine, an amino acid with similar properties. This amino acid position is conserved. In addition, this alteration is predicted to be tolerated by in silico analysis. Based on the available evidence, the clinical significance of this variant remains unclear.

NM_001367624.2(ZNF469):c.3940C>T (p.His1314Tyr)

Gene: ZNF469 (zinc finger protein 469; plus strand). Cytogenetic location: 16q24.2.
Variant type: single nucleotide variant.
Coding change: c.3940C>T on transcript NM_001367624.2 (MANE Select); coding-DNA position 3940, C replaced by T.
Protein change: p.His1314Tyr; replaces histidine 1314 with tyrosine.
Molecular consequence: missense variant.
Genome position (GRCh38, 1-based): chr16:88,431,410, C>T. VCF-style: chr16-88431410-C-T. GRCh37 (hg19) VCF-style: chr16-88497818-C-T.
Other names: NM_001127464.1:c.3856C>T; short protein forms H1314Y.
Identifiers: ClinVar variation 3821135 (VCV003821135.1).
Genomic context (GRCh38, chr16:88,431,410, plus strand): 5'-CCAACGCCAGGTGTGGGCAGCCTGCTGGGTGGTCCTGGGGGCACACAGGCCCCAGTCTCC[C>T]ACAACAGCAAGGACCCCCCTGCCCGCCAGCCTGGAGAATTTCTGGCACCCGTGGCTAACC-3'
Protein context (NP_001354553.1, residues 1304-1324): GPGGTQAPVS[His1314Tyr]NSKDPPARQP